The following is an entry in ClinVar:

ClinVar aggregate classification (germline): Uncertain significance (1 of 4 stars; one submission).

Allele frequency attached by ClinVar (database versions not stated): gnomAD 0.00003 and 0.00004.
gnomAD v4.1: 47 of 1,613,934 alleles (0.0029%); highest among the groups gnomAD compares: South Asian, 0.0077%; no homozygotes.

Submission:

Labcorp Genetics (formerly Invitae), Labcorp
Classification: Uncertain significance. Last evaluated: 2024-06-12. Review status: criteria provided, single submitter. Criteria: Invitae Variant Classification Sherloc (09022015). Collection method: clinical testing. Allele origin: germline.
Comment: This sequence change replaces arginine, which is basic and polar, with glutamine, which is neutral and polar, at codon 799 of the DUOX2 protein (p.Arg799Gln). This variant is present in population databases (rs762753633, gnomAD 0.01%). This variant has not been reported in the literature in individuals affected with DUOX2-related conditions. ClinVar contains an entry for this variant (Variation ID: 1435011). Advanced modeling of protein sequence and biophysical properties (such as structural, functional, and spatial information, amino acid conservation, physicochemical variation, residue mobility, and thermodynamic stability) performed at Invitae indicates that this missense variant is not expected to disrupt DUOX2 protein function with a negative predictive value of 80%. In summary, the available evidence is currently insufficient to determine the role of this variant in disease. Therefore, it has been classified as a Variant of Uncertain Significance.

NM_001363711.2(DUOX2):c.2396G>A (p.Arg799Gln)

Gene: DUOX2 (dual oxidase 2; minus strand). Cytogenetic location: 15q21.1.
Variant type: single nucleotide variant.
Coding change: c.2396G>A on transcript NM_001363711.2 (MANE Select); coding-DNA position 2396, G replaced by A.
Protein change: p.Arg799Gln; replaces arginine 799 with glutamine.
Molecular consequence: missense variant.
Genome position (GRCh38, 1-based): chr15:45,104,304, C>T on the plus strand (G>A on the coding strand, the complement: DUOX2 is on the minus strand). VCF-style: chr15-45104304-C-T. GRCh37 (hg19) VCF-style: chr15-45396502-C-T.
Other names: c.2396G>A, p.Arg799Gln (NM_014080.5); short protein forms R799Q.
Identifiers: ClinVar variation 1435011 (VCV001435011.7), dbSNP rs762753633, ClinGen allele CA7538261.